The following is an entry in ClinVar:

ClinVar aggregate classification (germline): Uncertain significance. Review status: criteria provided, multiple submitters, no conflicts (2 of 4 stars). 2 submissions from 2 submitters: Uncertain significance (2). Last evaluated 2025-09-04.

Conditions:
Charcot-Marie-Tooth disease axonal type 2S. Also called: CHARCOT-MARIE-TOOTH NEUROPATHY, TYPE 2S; CHARCOT-MARIE-TOOTH DISEASE, AXONAL, AUTOSOMAL RECESSIVE, TYPE 2S. Identifiers: Orphanet 443073, MedGen C4015349, MONDO:0014511, OMIM 616155.
Autosomal recessive distal spinal muscular atrophy 1. Also called: NEURONOPATHY, SEVERE INFANTILE AXONAL, WITH RESPIRATORY FAILURE; SEVERE INFANTILE AXONAL NEUROPATHY WITH RESPIRATORY FAILURE; SPINAL MUSCULAR ATROPHY, DIAPHRAGMATIC; Spinal muscular atrophy with respiratory distress 1; NEURONOPATHY, DISTAL HEREDITARY MOTOR, HARDING TYPE VI; NEUROPATHY, DISTAL HEREDITARY MOTOR, AUTOSOMAL RECESSIVE 1. Identifiers: Orphanet 98920, MedGen C1858517, MONDO:0011436, OMIM 604320.
Inborn genetic diseases. Identifiers: MedGen C0950123, MeSH D030342.

gnomAD v4.1: 1 of 1,612,946 alleles (0.000062%); highest among the groups gnomAD compares: Non-Finnish European, 0.000085%; no homozygotes.

Submissions (2):

Ambry Genetics
Classification: Uncertain significance for Inborn genetic diseases. Last evaluated: 2025-09-04. Review status: criteria provided, single submitter. Criteria: Ambry Variant Classification Scheme 2023. Collection method: clinical testing. Allele origin: germline.

Labcorp Genetics (formerly Invitae), Labcorp
Classification: Uncertain significance for Autosomal recessive distal spinal muscular atrophy 1; Charcot-Marie-Tooth disease axonal type 2S. Last evaluated: 2021-04-23. Review status: criteria provided, single submitter. Criteria: Invitae Variant Classification Sherloc (09022015). Collection method: clinical testing. Allele origin: germline.
Comment: This variant is not present in population databases (ExAC no frequency). In summary, the available evidence is currently insufficient to determine the role of this variant in disease. Therefore, it has been classified as a Variant of Uncertain Significance. Advanced modeling of protein sequence and biophysical properties (such as structural, functional, and spatial information, amino acid conservation, physicochemical variation, residue mobility, and thermodynamic stability) performed at Invitae indicates that this missense variant is not expected to disrupt IGHMBP2 protein function. This variant has not been reported in the literature in individuals with IGHMBP2-related conditions. This sequence change replaces alanine with threonine at codon 706 of the IGHMBP2 protein (p.Ala706Thr). The alanine residue is weakly conserved and there is a small physicochemical difference between alanine and threonine.

NM_002180.3(IGHMBP2):c.2116G>A (p.Ala706Thr)

Gene: IGHMBP2 (immunoglobulin mu DNA binding protein 2; plus strand). Cytogenetic location: 11q13.3.
Variant type: single nucleotide variant.
Coding change: c.2116G>A on transcript NM_002180.3 (MANE Select); coding-DNA position 2116, G replaced by A.
Protein change: p.Ala706Thr; replaces alanine 706 with threonine.
Molecular consequence: missense variant.
Genome position (GRCh38, 1-based): chr11:68,936,596, G>A. VCF-style: chr11-68936596-G-A. GRCh37 (hg19) VCF-style: chr11-68704064-G-A.
Other names: c.2116G>A (NM_002180.2); short protein forms A706T.
Identifiers: ClinVar variation 1450298 (VCV001450298.7), dbSNP rs746334377, ClinGen allele CA381652840.